The following is an entry in ClinVar:

NM_000489.6(ATRX):c.2720G>A (p.Arg907Gln)

Gene: ATRX (ATRX chromatin remodeler; minus strand). Cytogenetic location: Xq21.1.
Variant type: single nucleotide variant.
Coding change: c.2720G>A on transcript NM_000489.6 (MANE Select); coding-DNA position 2720, G replaced by A.
Protein change: p.Arg907Gln; replaces arginine 907 with glutamine.
Molecular consequence: missense variant.
Genome position (GRCh38, 1-based): chrX:77,682,536, C>T on the plus strand (G>A on the coding strand, the complement: ATRX is on the minus strand). VCF-style: chrX-77682536-C-T. GRCh37 (hg19) VCF-style: chrX-76938028-C-T.
Other names: c.2606G>A, p.Arg869Gln (NM_138270.5); short protein forms R907Q, R869Q.
Identifiers: ClinVar variation 465048 (VCV000465048.23), dbSNP rs143413618, ClinGen allele CA10458041.

ClinVar aggregate classification (germline): Benign/Likely benign. Review status: criteria provided, multiple submitters, no conflicts (2 of 4 stars). 8 submissions from 8 submitters: Benign (2); Likely benign (3). 3 of the submissions do not count toward it. Last evaluated 2026-01-31.

Conditions:
Alpha thalassemia-X-linked intellectual disability syndrome (ATRX). Also called: ALPHA-THALASSEMIA/MENTAL RETARDATION SYNDROME, X-LINKED; ATR, NONDELETION TYPE; X-linked alpha-thalassemia-mental retardation syndrome; ALPHA-THALASSEMIA/IMPAIRED INTELLECTUAL DEVELOPMENT SYNDROME, X-LINKED; ATR-X syndrome; Alpha thalassemia mental retardation syndrome, nondeletion type, X-linked. Identifiers: Orphanet 847, MedGen C1845055, MONDO:0010519, OMIM 301040.
ATRX-related disorder. Also called: ATRX-related condition.
Inborn genetic diseases. Identifiers: MedGen C0950123, MeSH D030342.

Allele frequency attached by ClinVar (database versions not stated): gnomAD 0.00025 and 0.00020; gnomAD exomes 0.00026 and 0.00047; ExAC 0.00054; TOPMed 0.00030; ESP Exome Variant Server 0.00028; 1000 Genomes Project 0.00053; 1000 Genomes Project 30x 0.00062.
gnomAD v4.1: 321 of 1,209,755 alleles (0.027%); highest among the groups gnomAD compares: Middle Eastern, 0.16%; no homozygotes.

Submissions (8):

Labcorp Genetics (formerly Invitae), Labcorp
Classification: Benign for Alpha thalassemia-X-linked intellectual disability syndrome. Last evaluated: 2026-01-31. Review status: criteria provided, single submitter. Criteria: Invitae Variant Classification Sherloc (09022015). Collection method: clinical testing. Allele origin: germline.

Blueprint Genetics
Classification: Likely benign. Last evaluated: 2024-10-22. Review status: criteria provided, single submitter. Criteria: ACMG Guidelines, 2015. Collection method: clinical testing. Allele origin: germline.

GeneDx
Classification: Benign. Last evaluated: 2020-11-13. Review status: criteria provided, single submitter. Criteria: GeneDx Variant Classification Process June 2021. Collection method: clinical testing. Allele origin: germline. Affected: yes.
Comment: This variant is associated with the following publications: (PMID: 31856217)

Ambry Genetics
Classification: Likely benign for Inborn genetic diseases. Last evaluated: 2016-08-23. Review status: criteria provided, single submitter. Criteria: Ambry Variant Classification Scheme 2023. Collection method: clinical testing. Allele origin: germline.

Breakthrough Genomics
Classification: Likely benign. Review status: criteria provided, single submitter. Criteria: ACMG Guidelines, 2015. Collection method: not provided. Allele origin: germline. Inheritance: X-linked inheritance. Affected: yes.

PreventionGenetics, part of Exact Sciences
Classification: Likely benign for ATRX-related condition. Last evaluated: 2020-08-08. Review status: no assertion criteria provided. Collection method: clinical testing. Allele origin: germline. Not counted in ClinVar's aggregate classification.
Comment: This variant is classified as likely benign based on ACMG/AMP sequence variant interpretation guidelines (Richards et al. 2015 PMID: 25741868, with internal and published modifications).

Clinical Genetics DNA and cytogenetics Diagnostics Lab, Erasmus MC, Erasmus Medical Center
Classification: Likely benign. Review status: no assertion criteria provided. Collection method: clinical testing. Allele origin: germline. Affected: yes. Study: VKGL Data-share Consensus. Not counted in ClinVar's aggregate classification.

Genome Diagnostics Laboratory, University Medical Center Utrecht
Classification: Likely benign. Review status: no assertion criteria provided. Collection method: clinical testing. Allele origin: germline. Affected: yes. Study: VKGL Data-share Consensus. Not counted in ClinVar's aggregate classification.